The following is an entry in ClinVar:

NM_001039660.2(IL18BP):c.320T>C (p.Ile107Thr)

Gene: IL18BP (interleukin 18 binding protein; plus strand). Cytogenetic location: 11q13.4.
Variant type: single nucleotide variant.
Coding change: c.320T>C on transcript NM_001039660.2 (MANE Select); coding-DNA position 320, T replaced by C.
Protein change: p.Ile107Thr; replaces isoleucine 107 with threonine.
Molecular consequence: missense variant. On other transcripts: intron variant (1).
Genome position (GRCh38, 1-based): chr11:72,001,285, T>C. VCF-style: chr11-72001285-T-C. GRCh37 (hg19) VCF-style: chr11-71712331-T-C.
Other names: c.320T>C, p.Ile107Thr (NM_001039659.2, NM_001145057.1, NM_005699.3 and 2 more transcripts); c.236-499T>C (NM_001145055.1); short protein forms I107T.
Identifiers: ClinVar variation 2155854 (VCV002155854.5), dbSNP rs746417228, ClinGen allele CA6166183.
Genomic context (GRCh38, chr11:72,001,285, plus strand): 5'-TGGCCTGCAGCCGCTTCCCCAACTTCAGCATCCTCTACTGGCTGGGCAATGGTTCCTTCA[T>C]TGAGCACCTCCCAGGCCGACTGTGGGAGGGGAGCACCAGGTGAGGGTCGCAGCAGCCAGG-3'
Protein context (NP_001034749.1, residues 97-117): ILYWLGNGSF[Ile107Thr]EHLPGRLWEG

ClinVar aggregate classification (germline): Uncertain significance. Review status: criteria provided, multiple submitters, no conflicts (2 of 4 stars). 2 submissions from 2 submitters: Uncertain significance (2). Last evaluated 2025-12-15.

Allele frequency attached by ClinVar (database versions not stated): ExAC 0.00003; TOPMed 0.00012; gnomAD 0.00017.

Submissions (2):

Labcorp Genetics (formerly Invitae), Labcorp
Classification: Uncertain significance. Last evaluated: 2025-12-15. Review status: criteria provided, single submitter. Criteria: Invitae Variant Classification Sherloc (09022015). Collection method: clinical testing. Allele origin: germline.
Comment: This sequence change replaces isoleucine, which is neutral and non-polar, with threonine, which is neutral and polar, at codon 107 of the IL18BP protein (p.Ile107Thr). This variant is present in population databases (rs746417228, gnomAD 0.02%). This variant has not been reported in the literature in individuals affected with IL18BP-related conditions. ClinVar contains an entry for this variant (Variation ID: 2155854). An algorithm developed to predict the effect of missense changes on protein structure and function (PolyPhen-2) suggests that this variant is likely to be disruptive. In summary, the available evidence is currently insufficient to determine the role of this variant in disease. Therefore, it has been classified as a Variant of Uncertain Significance.

Ambry Genetics
Classification: Uncertain significance. Last evaluated: 2021-08-10. Review status: criteria provided, single submitter. Criteria: Ambry Variant Classification Scheme 2023. Collection method: clinical testing. Allele origin: germline.